The following is an entry in ClinVar:

ClinVar aggregate classification (germline): Uncertain significance (1 of 4 stars; one submission).

Allele frequency attached by ClinVar (database versions not stated): gnomAD exomes below 0.00001.
gnomAD v4.1: 1 of 1,613,892 alleles (0.000062%); highest among the groups gnomAD compares: Non-Finnish European, 0.000085%; no homozygotes.

Submission:

Labcorp Genetics (formerly Invitae), Labcorp
Classification: Uncertain significance. Last evaluated: 2023-08-27. Review status: criteria provided, single submitter. Criteria: Invitae Variant Classification Sherloc (09022015). Collection method: clinical testing. Allele origin: germline.
Comment: In summary, the available evidence is currently insufficient to determine the role of this variant in disease. Therefore, it has been classified as a Variant of Uncertain Significance. An algorithm developed to predict the effect of missense changes on protein structure and function (PolyPhen-2) suggests that this variant is likely to be disruptive. This variant has not been reported in the literature in individuals affected with SLIT2-related conditions. This variant is not present in population databases (gnomAD no frequency). This sequence change replaces threonine, which is neutral and polar, with isoleucine, which is neutral and non-polar, at codon 278 of the SLIT2 protein (p.Thr278Ile).

NM_004787.4(SLIT2):c.833C>T (p.Thr278Ile)

Gene: SLIT2 (slit guidance ligand 2; plus strand). Cytogenetic location: 4p15.31.
Variant type: single nucleotide variant.
Coding change: c.833C>T on transcript NM_004787.4 (MANE Select); coding-DNA position 833, C replaced by T.
Protein change: p.Thr278Ile; replaces threonine 278 with isoleucine.
Molecular consequence: missense variant.
Genome position (GRCh38, 1-based): chr4:20,491,818, C>T. VCF-style: chr4-20491818-C-T. GRCh37 (hg19) VCF-style: chr4-20493441-C-T.
Other names: c.845C>T, p.Thr282Ile (NM_001289135.3); c.833C>T, p.Thr278Ile (NM_001289136.3); short protein forms T282I, T278I.
Identifiers: ClinVar variation 2778611 (VCV002778611.3), dbSNP rs2546484777, ClinGen allele CA356453728.